The following is an entry in ClinVar:

NM_133259.4(LRPPRC):c.3149-2_3149-1del

Gene: LRPPRC (leucine rich pentatricopeptide repeat containing; minus strand). Cytogenetic location: 2p21.
Variant type: Deletion.
Coding change: c.3149-2_3149-1del on transcript NM_133259.4 (MANE Select); the canonical splice acceptor site of the intron before coding-DNA position 3149, 2 bases deleted (AG; older notation c.3149-2_3149-1delAG).
Molecular consequence: splice acceptor variant.
Genome position (GRCh38, 1-based): chr2:43,912,559-43,912,560, CT deleted on the plus strand (AG on the coding strand, the reverse complement: LRPPRC is on the minus strand). VCF-style (leftmost placement, unchanged base first): chr2-43912558-CCT-C. GRCh37 (hg19) VCF-style: chr2-44139697-CCT-C.
Identifiers: ClinVar variation 4816491 (VCV004816491.2).

ClinVar aggregate classification (germline): Likely pathogenic. Review status: criteria provided, multiple submitters, no conflicts (2 of 4 stars). 2 submissions from 2 submitters: Likely pathogenic (2). Last evaluated 2026-06-23.

Conditions:
Congenital lactic acidosis, Saguenay-Lac-Saint-Jean type (MC4DN5). Also called: MITOCHONDRIAL COMPLEX IV DEFICIENCY, NUCLEAR TYPE 5; CYTOCHROME c OXIDASE DEFICIENCY, FRENCH CANADIAN TYPE; COX DEFICIENCY, FRENCH CANADIAN TYPE. Identifiers: Orphanet 70472, MedGen C1857355, MONDO:0009069, OMIM 220111.

Submissions (2):

Myriad Genetics, Inc.
Classification: Likely pathogenic for Congenital lactic acidosis, Saguenay-Lac-Saint-Jean type. Last evaluated: 2026-06-23. Review status: criteria provided, single submitter. Criteria: Myriad Autosomal Dominant, Autosomal Recessive and X-Linked Classification Criteria (2023). Collection method: clinical testing. Allele origin: unknown.
Comment: NM_133259.3(LRPPRC):c.3149-2_3149-1delAG is a variant in a canonical splice site classified as likely pathogenic in the context of Leigh syndrome, French-Canadian type. c.3149-2_3149-1delAG has not been observed in cases with relevant disease. Relevant functional assessments of this variant are not available in the literature. c.3149-2_3149-1delAG has not been observed in referenced population frequency databases. In summary, NM_133259.3(LRPPRC):c.3149-2_3149-1delAG is a variant in a canonical splice site in a gene where loss of function is a known mechanism of disease and is predicted to disrupt protein function. Please note: this variant was assessed in the context of healthy population screening.

Natera, Inc.
Classification: Likely pathogenic for French-Canadian type Leigh syndrome. Last evaluated: 2024-04-23. Review status: criteria provided, single submitter. Criteria: Natera Variant Classification Schema (03/2026). Collection method: clinical testing. Allele origin: germline.
Comment: The c.3149-2_3149-1delAG variant in LRPPRC is a canonical splice acceptor site variant predicted to affect pre-mRNA splicing, which may result in an abnormal transcript and altered protein product. This variant is expected to result in nonsense mediated decay, truncation, or a dysfunctional protein product. This variant is rare in the general population with a frequency below the threshold expected for the associated phenotype(s). Given the available evidence, this variant is classified as Likely Pathogenic.